The following is an entry in ClinVar:

ClinVar aggregate classification (germline): Pathogenic. Review status: criteria provided, multiple submitters, no conflicts (2 of 4 stars). 4 submissions from 4 submitters: Pathogenic (3). 1 of the submissions does not count toward it. Last evaluated 2025-03-27.

Conditions:
Warburg micro syndrome 1 (WARBM1). Identifiers: Orphanet 2510, MedGen C1838625, MONDO:0010822, OMIM 600118.

Allele frequency attached by ClinVar (database versions not stated): gnomAD 0.00001; gnomAD exomes 0.00001; TOPMed 0.00001; ExAC 0.00002.
gnomAD v4.1: 14 of 1,613,030 alleles (0.00087%); highest among the groups gnomAD compares: African/African-American, 0.0067%; no homozygotes.

Submissions (4):

Labcorp Genetics (formerly Invitae), Labcorp
Classification: Pathogenic. Last evaluated: 2025-03-27. Review status: criteria provided, single submitter. Criteria: Invitae Variant Classification Sherloc (09022015). Collection method: clinical testing. Allele origin: germline.
Comment: This sequence change creates a premature translational stop signal (p.Arg187*) in the RAB3GAP1 gene. It is expected to result in an absent or disrupted protein product. Loss-of-function variants in RAB3GAP1 are known to be pathogenic (PMID: 23420520). This variant is present in population databases (rs764260054, gnomAD 0.007%). This premature translational stop signal has been observed in individual(s) with clinical features of Warburg micro syndrome (PMID: 28454995, 29878067). ClinVar contains an entry for this variant (Variation ID: 800891). Algorithms developed to predict the effect of sequence changes on RNA splicing suggest that this variant may disrupt the consensus splice site. For these reasons, this variant has been classified as Pathogenic.

Genomic Medicine Center of Excellence, King Faisal Specialist Hospital and Research Centre
Classification: Pathogenic for Warburg micro syndrome 1. Last evaluated: 2024-03-17. Review status: criteria provided, single submitter. Criteria: ACMG Guidelines, 2015. Collection method: research. Allele origin: germline.

GeneDx
Classification: Pathogenic. Last evaluated: 2022-08-15. Review status: criteria provided, single submitter. Criteria: GeneDx Variant Classification Process June 2021. Collection method: clinical testing. Allele origin: germline. Affected: yes.
Comment: Nonsense variant predicted to result in protein truncation or nonsense mediated decay in a gene for which loss of function is a known mechanism of disease; Not observed at significant frequency in large population cohorts (gnomAD); This variant is associated with the following publications: (PMID: 28454995, 29878067)

Biochemical Molecular Genetic Laboratory, King Abdulaziz Medical City
Classification: Likely pathogenic for Warburg micro syndrome 1. Last evaluated: 2019-09-26. Review status: no assertion criteria provided. Collection method: clinical testing. Allele origin: germline. Affected: yes. Not counted in ClinVar's aggregate classification.

Literature cited by the submitters: PubMed 23420520 (cited by Labcorp Genetics (formerly Invitae), Labcorp); PubMed 28454995 (cited by Labcorp Genetics (formerly Invitae), Labcorp); PubMed 29878067 (cited by Labcorp Genetics (formerly Invitae), Labcorp).

NM_012233.3(RAB3GAP1):c.559C>T (p.Arg187Ter)

Gene: RAB3GAP1 (RAB3 GTPase activating protein catalytic subunit 1; plus strand). Cytogenetic location: 2q21.3.
Variant type: single nucleotide variant.
Coding change: c.559C>T on transcript NM_012233.3 (MANE Select); coding-DNA position 559, C replaced by T.
Protein change: p.Arg187Ter; replaces arginine 187 with a stop codon.
Molecular consequence: nonsense.
Genome position (GRCh38, 1-based): chr2:135,115,292, C>T. VCF-style: chr2-135115292-C-T. GRCh37 (hg19) VCF-style: chr2-135872862-C-T.
Other names: c.559C>T, p.Arg187Ter (NM_001172435.2); c.559C>T (NM_012233.2); short protein forms R187*.
Identifiers: ClinVar variation 800891 (VCV000800891.8), dbSNP rs764260054, ClinGen allele CA1884572.
Genomic context (GRCh38, chr2:135,115,292, plus strand): 5'-GTGCAAATTCACCACAAATGGCGAAGAATGTATGTAGGAGAATGTCAAGGTCCTGGTGTA[C>T]GAACTGATTTCGAAATGGTTCATCTTAGAAAAGTGCCAAATCAGTACACTCACTTATCAG-3'